The following is an entry in ClinVar:

NM_001048174.2(MUTYH):c.1239+5G>C

Gene: MUTYH (mutY DNA glycosylase; minus strand). Cytogenetic location: 1p34.1.
Variant type: single nucleotide variant.
Coding change: c.1239+5G>C on transcript NM_001048174.2 (MANE Select); 5 bases into the intron after coding-DNA position 1239, G replaced by C.
Molecular consequence: intron variant.
Genome position (GRCh38, 1-based): chr1:45,331,415, C>G on the plus strand (G>C on the coding strand, the complement: MUTYH is on the minus strand). VCF-style: chr1-45331415-C-G. GRCh37 (hg19) VCF-style: chr1-45797087-C-G.
Other names: c.1239+5G>C (NM_001407072.1, NM_001407073.1, NM_001048171.2 and 6 more transcripts); c.894+5G>C (NM_001350651.2, NM_001350650.2, NM_001407082.1); c.963+5G>C (NM_001293192.2, NM_001293196.2, NM_001407091.1); c.1284+5G>C (NM_001293190.2); c.1272+5G>C (NM_001407069.1, NM_001407077.1, NM_001293191.2); c.1314+5G>C (NM_012222.3); c.1323+5G>C (NM_001128425.2); c.1242+5G>C (NM_001407071.1, NM_001048172.2, NM_001407078.1 and 1 more transcripts); and 5 more.
Identifiers: ClinVar variation 3687104 (VCV003687104.2).

ClinVar aggregate classification (germline): Uncertain significance (1 of 4 stars; one submission).

Conditions:
Familial adenomatous polyposis 2. Also called: COLORECTAL ADENOMATOUS POLYPOSIS, AUTOSOMAL RECESSIVE; ADENOMAS, MULTIPLE COLORECTAL, AUTOSOMAL RECESSIVE; MYH-associated polyposis; Adenomas, multiple colorectal; FAP type 2; MUTYH-associated polyposis. Identifiers: Orphanet 220460, Orphanet 247798, MedGen C3272841, MONDO:0012041, OMIM 608456.

Submission:

Labcorp Genetics (formerly Invitae), Labcorp
Classification: Uncertain significance for Familial adenomatous polyposis 2. Last evaluated: 2024-05-02. Review status: criteria provided, single submitter. Criteria: Invitae Variant Classification Sherloc (09022015). Collection method: clinical testing. Allele origin: germline.
Comment: This sequence change falls in intron 13 of the MUTYH gene. It does not directly change the encoded amino acid sequence of the MUTYH protein. It affects a nucleotide within the consensus splice site. This variant is not present in population databases (gnomAD no frequency). This variant has not been reported in the literature in individuals affected with MUTYH-related conditions. Variants that disrupt the consensus splice site are a relatively common cause of aberrant splicing (PMID: 17576681, 9536098). Algorithms developed to predict the effect of sequence changes on RNA splicing suggest that this variant is not likely to affect RNA splicing. In summary, the available evidence is currently insufficient to determine the role of this variant in disease. Therefore, it has been classified as a Variant of Uncertain Significance.

Literature cited by the submitters: PubMed 17576681; PubMed 9536098.